The following is an entry in ClinVar:

NM_016156.6(MTMR2):c.570+6A>G

Gene: MTMR2 (myotubularin related protein 2; minus strand). Cytogenetic location: 11q21.
Variant type: single nucleotide variant.
Coding change: c.570+6A>G on transcript NM_016156.6 (MANE Select); 6 bases into the intron after coding-DNA position 570, A replaced by G.
Molecular consequence: intron variant.
Genome position (GRCh38, 1-based): chr11:95,858,525, T>C on the plus strand (A>G on the coding strand, the complement: MTMR2 is on the minus strand). VCF-style: chr11-95858525-T-C. GRCh37 (hg19) VCF-style: chr11-95591689-T-C.
Other names: c.354+6A>G (NM_201281.3, NM_201278.3, NM_001243571.2).
Identifiers: ClinVar variation 1749172 (VCV001749172.2), dbSNP rs1565356783, ClinGen allele CA1993066925.
Genomic context (GRCh38, chr11:95,858,525, plus strand): 5'-GACAAGTTTCTTTATACGACATCAATAATTATAGCACAAATTTTCCAAAGACAGGAAACA[T>C]TTTACCAGGTTATTAGAGACAGGAAATGCATATTTCATTAGATTCTCAAATATGGATCTT-3'

ClinVar aggregate classification (germline): Uncertain significance (1 of 4 stars; one submission).

Conditions:
Inborn genetic diseases. Identifiers: MedGen C0950123, MeSH D030342.

Submission:

Ambry Genetics
Classification: Uncertain significance for Inborn genetic diseases. Last evaluated: 2021-06-09. Review status: criteria provided, single submitter. Criteria: Ambry Variant Classification Scheme 2023. Collection method: clinical testing. Allele origin: germline.
Comment: The c.570+6A>G intronic variant results from an A to G substitution 6 nucleotides after coding exon 6 in the MTMR2 gene. This nucleotide position is not well conserved in available vertebrate species. In silico splice site analysis predicts that this alteration will not have any significant effect on splicing. Since supporting evidence is limited at this time, the clinical significance of this alteration remains unclear.